The following is an entry in ClinVar:

ClinVar aggregate classification (germline): Uncertain significance (1 of 4 stars; one submission).

Submission:

GeneDx
Classification: Uncertain significance. Last evaluated: 2026-03-22. Review status: criteria provided, single submitter. Criteria: GeneDx Variant Classification Process June 2021. Collection method: clinical testing. Allele origin: germline.
Comment: Not observed at significant frequency in large population cohorts (gnomAD); Has not been previously published as pathogenic or benign to our knowledge; Initiation codon variant in a gene with an unclear effect on protein function

NM_003923.3(FOXH1):c.1_24del (p.Met1_Arg8del)

Gene: FOXH1 (forkhead box H1; minus strand). Cytogenetic location: 8q24.3.
Variant type: Deletion.
Coding change: c.1_24del on transcript NM_003923.3 (MANE Select); coding-DNA positions 1 to 24, 24 bases deleted (ATGGGGCCCTGCAGCGGCTCCCGC).
Protein change: p.Met1_Arg8del.
Molecular consequence: inframe deletion, initiator codon variant.
Genome position (GRCh38, 1-based): chr8:144,475,733-144,475,756, GCGGGAGCCGCTGCAGGGCCCCAT deleted on the plus strand (ATGGGGCCCTGCAGCGGCTCCCGC on the coding strand, the reverse complement: FOXH1 is on the minus strand); deleting any 24 consecutive bases within chr8:144,475,733-144,475,762 gives the same sequence; the c. name uses the placement nearest the transcript's 3' end. VCF-style (leftmost placement, unchanged base first): chr8-144475732-GGCGGGAGCCGCTGCAGGGCCCCAT-G. GRCh37 (hg19) VCF-style: chr8-145701115-GGCGGGAGCCGCTGCAGGGCCCCAT-G.
Identifiers: ClinVar variation 5017080 (VCV005017080.1).